The following is an entry in ClinVar:

NM_000553.6(WRN):c.1149G>C (p.Leu383Phe)

Gene: WRN (WRN RecQ like helicase; plus strand). Cytogenetic location: 8p12.
Variant type: single nucleotide variant.
Coding change: c.1149G>C on transcript NM_000553.6 (MANE Select); coding-DNA position 1149, G replaced by C.
Protein change: p.Leu383Phe; replaces leucine 383 with phenylalanine.
Molecular consequence: missense variant.
Genome position (GRCh38, 1-based): chr8:31,081,176, G>C. VCF-style: chr8-31081176-G-C. GRCh37 (hg19) VCF-style: chr8-30938692-G-C.
Other names: short protein forms L383F.
Identifiers: ClinVar variation 2161864 (VCV002161864.4), dbSNP rs4987238, ClinGen allele CA370920970.

ClinVar aggregate classification (germline): Uncertain significance (1 of 4 stars; one submission).

Conditions:
Werner syndrome (WRN). Identifiers: Orphanet 902, MedGen C0043119, MONDO:0010196, OMIM 277700.

Submission:

Labcorp Genetics (formerly Invitae), Labcorp
Classification: Uncertain significance for Werner syndrome. Last evaluated: 2021-12-18. Review status: criteria provided, single submitter. Criteria: Invitae Variant Classification Sherloc (09022015). Collection method: clinical testing. Allele origin: germline.
Comment: Algorithms developed to predict the effect of missense changes on protein structure and function are either unavailable or do not agree on the potential impact of this missense change (SIFT: "Not Available"; PolyPhen-2: "Benign"; Align-GVGD: "Not Available"). In summary, the available evidence is currently insufficient to determine the role of this variant in disease. Therefore, it has been classified as a Variant of Uncertain Significance. This variant has not been reported in the literature in individuals affected with WRN-related conditions. This variant is not present in population databases (gnomAD no frequency). This sequence change replaces leucine, which is neutral and non-polar, with phenylalanine, which is neutral and non-polar, at codon 383 of the WRN protein (p.Leu383Phe).